The following is an entry in ClinVar:

NM_001042545.2(LTBP4):c.567_584dup (p.Ala198_Pro199insArgAlaGluAlaAlaAla)

Gene: LTBP4 (latent transforming growth factor beta binding protein 4; plus strand). Cytogenetic location: 19q13.2.
Variant type: Duplication.
Coding change: c.567_584dup on transcript NM_001042545.2 (MANE Select); coding-DNA positions 567 to 584, 18 bases duplicated (AGCGGCGGCGCGGGCGGA).
Protein change: p.Ala198_Pro199insArgAlaGluAlaAlaAla.
Molecular consequence: inframe insertion.
Genome position (GRCh38, 1-based): chr19:40,605,529-40,605,546, AGCGGCGGCGCGGGCGGA duplicated; duplicating any 18 consecutive bases within chr19:40,605,517-40,605,546 gives the same sequence; the c. name uses the placement nearest the transcript's 3' end. VCF-style (leftmost placement, unchanged base first): chr19-40605516-T-TGGCGCGGGCGGAAGCGGC. GRCh37 (hg19) VCF-style: chr19-41111422-T-TGGCGCGGGCGGAAGCGGC.
Other names: c.768_785dup, p.Ala265_Pro266insArgAlaGluAlaAlaAla (NM_001042544.1); c.657_674dup, p.Ala228_Pro229insArgAlaGluAlaAlaAla (NM_003573.2).
Identifiers: ClinVar variation 1938002 (VCV001938002.2), dbSNP rs780900225, ClinGen allele CA308447718.

ClinVar aggregate classification (germline): Uncertain significance (1 of 4 stars; one submission).

Submission:

Labcorp Genetics (formerly Invitae), Labcorp
Classification: Uncertain significance. Last evaluated: 2022-05-16. Review status: criteria provided, single submitter. Criteria: Invitae Variant Classification Sherloc (09022015). Collection method: clinical testing. Allele origin: germline.
Comment: This variant, c.657_674dup, results in the insertion of 6 amino acid(s) of the LTBP4 protein (p.Arg223_Ala228dup), but otherwise preserves the integrity of the reading frame. This variant is not present in population databases (gnomAD no frequency). This variant has not been reported in the literature in individuals affected with LTBP4-related conditions. Experimental studies and prediction algorithms are not available or were not evaluated, and the functional significance of this variant is currently unknown. In summary, the available evidence is currently insufficient to determine the role of this variant in disease. Therefore, it has been classified as a Variant of Uncertain Significance.